The following is an entry in ClinVar:

NM_003098.3(SNTA1):c.70G>A (p.Gly24Ser)

Genes: SNTA1 (syntrophin alpha 1; minus strand), LOC130065680 (ATAC-STARR-seq lymphoblastoid silent region 12812; plus strand). Cytogenetic location: 20q11.21.
Variant type: single nucleotide variant.
Coding change: c.70G>A on transcript NM_003098.3 (MANE Select); coding-DNA position 70, G replaced by A.
Protein change: p.Gly24Ser; replaces glycine 24 with serine.
Molecular consequence: missense variant.
Genome position (GRCh38, 1-based): chr20:33,443,551, C>T on the plus strand (G>A on the coding strand, the complement: SNTA1 is on the minus strand). VCF-style: chr20-33443551-C-T. GRCh37 (hg19) VCF-style: chr20-32031357-C-T.
Other names: p.G24S:GGC>AGC; short protein forms G24S.
Identifiers: ClinVar variation 190933 (VCV000190933.27), dbSNP rs786205847, ClinGen allele CA302324.

ClinVar aggregate classification (germline): Conflicting classifications of pathogenicity. Review status: criteria provided, conflicting classifications (1 of 4 stars). 6 submissions from 6 submitters: Uncertain significance (4); Likely benign (2). Last evaluated 2026-06-25.

Conditions:
SNTA1-related disorder. Also called: SNTA1-related condition.
Cardiovascular phenotype. Identifiers: MedGen CN230736.
Long QT syndrome (LQTS). Identifiers: MedGen C0023976, MeSH D008133, MONDO:0002442. Disease mechanism: loss of function. Inheritance: Various modes of inheritance.

Allele frequency attached by ClinVar (database versions not stated): gnomAD 0.00001 and 0.00002; gnomAD exomes 0.00003; TOPMed 0.00006.

Submissions (6):

PreventionGenetics, part of Exact Sciences
Classification: Likely benign for SNTA1-related condition. Last evaluated: 2026-06-25. Review status: criteria provided, single submitter. Criteria: ACMG Guidelines, 2015. Collection method: clinical testing. Allele origin: germline.
Comment: This variant is classified as likely benign based on ACMG/AMP sequence variant interpretation guidelines (Richards et al. 2015 PMID: 25741868, with internal and published modifications).

Ambry Genetics
Classification: Likely benign for Cardiovascular phenotype. Last evaluated: 2026-04-01. Review status: criteria provided, single submitter. Criteria: Ambry Variant Classification Scheme 2023. Collection method: clinical testing. Allele origin: germline.

Labcorp Genetics (formerly Invitae), Labcorp
Classification: Uncertain significance for Long QT syndrome. Last evaluated: 2026-01-05. Review status: criteria provided, single submitter. Criteria: Invitae Variant Classification Sherloc (09022015). Collection method: clinical testing. Allele origin: germline.
Comment: This sequence change replaces glycine, which is neutral and non-polar, with serine, which is neutral and polar, at codon 24 of the SNTA1 protein (p.Gly24Ser). This variant is present in population databases (rs786205847, gnomAD 0.06%). This variant has not been reported in the literature in individuals affected with SNTA1-related conditions. ClinVar contains an entry for this variant (Variation ID: 190933). An algorithm developed to predict the effect of missense changes on protein structure and function outputs the following: PolyPhen-2: "Benign". The serine amino acid residue is found in multiple mammalian species, which suggests that this missense change does not adversely affect protein function. In summary, the available evidence is currently insufficient to determine the role of this variant in disease. Therefore, it has been classified as a Variant of Uncertain Significance.

GeneDx
Classification: Uncertain significance. Last evaluated: 2025-07-11. Review status: criteria provided, single submitter. Criteria: GeneDx Variant Classification Process June 2021. Collection method: clinical testing. Allele origin: germline. Affected: yes.
Comment: In silico analysis suggests that this missense variant does not alter protein structure/function; Has not been previously published as pathogenic or benign to our knowledge

Women's Health and Genetics/Laboratory Corporation of America, LabCorp
Classification: Uncertain significance. Last evaluated: 2018-07-09. Review status: criteria provided, single submitter. Criteria: LabCorp Variant Classification Summary - May 2015. Collection method: clinical testing. Allele origin: germline.
Comment: Variant summary: SNTA1 c.70G>A (p.Gly24Ser) results in a non-conservative amino acid change located in the Pleckstrin homology domain (IPR001849) of the encoded protein sequence. Three of five in-silico tools predict a benign effect of the variant on protein function. The variant allele was found at a frequency of 4.4e-05 in 68340 control chromosomes (gnomAD). The available data on variant occurrences in the general population are insufficient to allow any conclusion about variant significance. To our knowledge, no occurrence of c.70G>A in individuals affected with Arrhythmia and no experimental evidence demonstrating its impact on protein function have been reported. Two clinical diagnostic laboratories have submitted clinical-significance assessments for this variant to ClinVar after 2014 without evidence for independent evaluation and classified the variant as uncertain significance. Based on the evidence outlined above, the variant was classified as uncertain significance.

Stanford Center for Inherited Cardiovascular Disease, Stanford University
Classification: Uncertain significance. Last evaluated: 2016-02-19. Review status: criteria provided, single submitter. Criteria: ACMG Guidelines, 2015. Collection method: provider interpretation. Allele origin: germline.